The following is an entry in ClinVar:

ClinVar aggregate classification (germline): Uncertain significance. Review status: criteria provided, multiple submitters, no conflicts (2 of 4 stars). 2 submissions from 2 submitters: Uncertain significance (2). Last evaluated 2025-11-16.

Allele frequency attached by ClinVar (database versions not stated): gnomAD exomes 0.00001 and 0.00003; ExAC 0.00003; ESP Exome Variant Server 0.00015; 1000 Genomes Project 30x 0.00016; TOPMed 0.00016; 1000 Genomes Project 0.00020; gnomAD 0.00023 and 0.00024.

Submissions (2):

Labcorp Genetics (formerly Invitae), Labcorp
Classification: Uncertain significance. Last evaluated: 2025-11-16. Review status: criteria provided, single submitter. Criteria: Invitae Variant Classification Sherloc (09022015). Collection method: clinical testing. Allele origin: germline.
Comment: This sequence change creates a premature translational stop signal (p.Gln436*) in the CAPN5 gene. It is expected to result in an absent or disrupted protein product. However, the current clinical and genetic evidence is not sufficient to establish whether loss-of-function variants in CAPN5 cause disease. This variant is present in population databases (rs140227693, gnomAD 0.05%). This variant has not been reported in the literature in individuals affected with CAPN5-related conditions. ClinVar contains an entry for this variant (Variation ID: 971342). In summary, the available evidence is currently insufficient to determine the role of this variant in disease. Therefore, it has been classified as a Variant of Uncertain Significance.

Blueprint Genetics
Classification: Uncertain significance. Last evaluated: 2021-11-04. Review status: criteria provided, single submitter. Criteria: ACMG Guidelines, 2015. Collection method: clinical testing. Allele origin: germline.

NM_004055.5(CAPN5):c.1306C>T (p.Gln436Ter)

Gene: CAPN5 (calpain 5; plus strand). Cytogenetic location: 11q13.5.
Variant type: single nucleotide variant.
Coding change: c.1306C>T on transcript NM_004055.5 (MANE Select); coding-DNA position 1306, C replaced by T.
Protein change: p.Gln436Ter; replaces glutamine 436 with a stop codon.
Molecular consequence: nonsense.
Genome position (GRCh38, 1-based): chr11:77,120,728, C>T. VCF-style: chr11-77120728-C-T. GRCh37 (hg19) VCF-style: chr11-76831774-C-T.
Other names: short protein forms Q436*.
Identifiers: ClinVar variation 971342 (VCV000971342.9), dbSNP rs140227693, ClinGen allele CA6196773.